The following is an entry in ClinVar:

NM_001735.3(C5):c.1376C>G (p.Ser459Cys)

Gene: C5 (complement C5; minus strand). Cytogenetic location: 9q33.2.
Variant type: single nucleotide variant.
Coding change: c.1376C>G on transcript NM_001735.3 (MANE Select); coding-DNA position 1376, C replaced by G.
Protein change: p.Ser459Cys; replaces serine 459 with cysteine.
Molecular consequence: missense variant.
Genome position (GRCh38, 1-based): chr9:121,020,106, G>C on the plus strand (C>G on the coding strand, the complement: C5 is on the minus strand). VCF-style: chr9-121020106-G-C. GRCh37 (hg19) VCF-style: chr9-123782384-G-C.
Other names: c.1394C>G, p.Ser465Cys (NM_001317163.2); c.1376C>G, p.Ser459Cys (NM_001317164.2); short protein forms S459C, S465C.
Identifiers: ClinVar variation 1994977 (VCV001994977.2), dbSNP rs1210256395, ClinGen allele CA374751331.

ClinVar aggregate classification (germline): Uncertain significance (1 of 4 stars; one submission).

Allele frequency attached by ClinVar (database versions not stated): gnomAD 0.00002; gnomAD exomes below 0.00001; TOPMed 0.00001.
gnomAD v4.1: 5 of 1,613,704 alleles (0.00031%); highest among the groups gnomAD compares: African/African-American, 0.0067%; no homozygotes.

Submission:

Labcorp Genetics (formerly Invitae), Labcorp
Classification: Uncertain significance. Last evaluated: 2024-07-15. Review status: criteria provided, single submitter. Criteria: Invitae Variant Classification Sherloc (09022015). Collection method: clinical testing. Allele origin: germline.
Comment: This sequence change replaces serine, which is neutral and polar, with cysteine, which is neutral and slightly polar, at codon 459 of the C5 protein (p.Ser459Cys). This variant is not present in population databases (gnomAD no frequency). This variant has not been reported in the literature in individuals affected with C5-related conditions. ClinVar contains an entry for this variant (Variation ID: 1994977). Advanced modeling of protein sequence and biophysical properties (such as structural, functional, and spatial information, amino acid conservation, physicochemical variation, residue mobility, and thermodynamic stability) performed at Invitae indicates that this missense variant is expected to disrupt C5 protein function with a positive predictive value of 80%. In summary, the available evidence is currently insufficient to determine the role of this variant in disease. Therefore, it has been classified as a Variant of Uncertain Significance.